The following is an entry in ClinVar:

NM_004408.4(DNM1):c.2469T>G (p.Pro823=)

Genes: DNM1 (dynamin 1; plus strand), LOC130002699 (ATAC-STARR-seq lymphoblastoid silent region 20333; plus strand). Cytogenetic location: 9q34.11.
Variant type: single nucleotide variant.
Coding change: c.2469T>G on transcript NM_004408.4 (MANE Select); coding-DNA position 2469, T replaced by G.
Protein change: p.Pro823=; no amino-acid change (proline 823 retained).
Molecular consequence: synonymous variant.
Genome position (GRCh38, 1-based): chr9:128,250,875, T>G. VCF-style: chr9-128250875-T-G. GRCh37 (hg19) VCF-style: chr9-131013154-T-G.
Other names: c.2469T>G, p.Pro823= (NM_001005336.3, NM_001288737.2, NM_001288738.2 and 2 more transcripts).
Identifiers: ClinVar variation 2844066 (VCV002844066.3), dbSNP rs1451128919, ClinGen allele CA467267178.
Genomic context (GRCh38, chr9:128,250,875, plus strand): 5'-GCCTGCTGGGTCCGCCCTGGGGGGGGCGCCCCCCGTGCCCTCCAGGCCGGGGGCTTCCCC[T>G]GACCCTTTCGGCCCTCCCCCTCAGGTGCCCTCGCGCCCCAACCGCGCCCCGCCCGGGGTC-3'
Protein context (NP_004399.2, residues 813-833): PPVPSRPGAS[Pro823=]DPFGPPPQVP

ClinVar aggregate classification (germline): Uncertain significance (1 of 4 stars; one submission).

Conditions:
Developmental and epileptic encephalopathy, 31A. Also called: Developmental and epileptic encephalopathy, 31; Epileptic encephalopathy, early infantile, 31. Identifiers: Orphanet 2382, MedGen C4225357, MONDO:0014598, OMIM 616346.

Allele frequency attached by ClinVar (database versions not stated): gnomAD 0.00001; gnomAD exomes 0.00001; TOPMed 0.00001.

Submission:

Labcorp Genetics (formerly Invitae), Labcorp
Classification: Uncertain significance for Developmental and epileptic encephalopathy, 31A. Last evaluated: 2023-06-30. Review status: criteria provided, single submitter. Criteria: Invitae Variant Classification Sherloc (09022015). Collection method: clinical testing. Allele origin: germline.
Comment: In summary, the available evidence is currently insufficient to determine the role of this variant in disease. Therefore, it has been classified as a Variant of Uncertain Significance. Algorithms developed to predict the effect of sequence changes on RNA splicing suggest that this variant may disrupt the consensus splice site. This variant has not been reported in the literature in individuals affected with DNM1-related conditions. The frequency data for this variant in the population databases is considered unreliable, as metrics indicate poor data quality at this position in the gnomAD database. This sequence change affects codon 823 of the DNM1 mRNA. It is a 'silent' change, meaning that it does not change the encoded amino acid sequence of the DNM1 protein.